The following is an entry in ClinVar:

ClinVar aggregate classification (germline): Uncertain significance (1 of 4 stars; one submission).

Conditions:
Angioedema. Identifiers: MedGen C0002994, MeSH D000799, MONDO:0010481, HP:0100665.

gnomAD v4.1: 1 of 1,614,228 alleles (0.000062%); highest among the groups gnomAD compares: Non-Finnish European, 0.000085%; no homozygotes.

Submission:

DNA-diagnostics Laboratory, Research Centre For Medical Genetics
Classification: Uncertain significance for Angioedema. Last evaluated: 2024-08-10. Review status: criteria provided, single submitter. Criteria: ACMG Guidelines, 2015. Collection method: research. Allele origin: germline. Inheritance: Autosomal dominant inheritance. Affected: yes. Observed: 1 heterozygote.
Comment: The c.656C>T allele was present at not greater than expected for HAE frequency in gnomAD v4.1.0 database (8.474e-7 in European, non Finnish only) and in 1/2910 individuals (0.00017) in control cohort (the general population from Russian Federation). According to our observation the c.656C>T variant in SERPING1 meets ACMG/ClinGen SVI guidance criteria to be classified as a variant of uncertain significance: PP2, BP4

NM_000062.3(SERPING1):c.656C>T (p.Thr219Ile)

Gene: SERPING1 (serpin family G member 1; plus strand). Cytogenetic location: 11q12.1.
Variant type: single nucleotide variant.
Coding change: c.656C>T on transcript NM_000062.3 (MANE Select); coding-DNA position 656, C replaced by T.
Protein change: p.Thr219Ile; replaces threonine 219 with isoleucine.
Molecular consequence: missense variant.
Genome position (GRCh38, 1-based): chr11:57,602,140, C>T. VCF-style: chr11-57602140-C-T. GRCh37 (hg19) VCF-style: chr11-57369613-C-T.
Other names: c.656C>T, p.Thr219Ile (NM_001032295.2); short protein forms T219I.
Identifiers: ClinVar variation 3336721 (VCV003336721.2).